The following is an entry in ClinVar:

NM_005631.5(SMO):c.1358-3C>T

Gene: SMO (smoothened, frizzled class receptor; plus strand). Cytogenetic location: 7q32.1.
Variant type: single nucleotide variant.
Coding change: c.1358-3C>T on transcript NM_005631.5 (MANE Select); 3 bases into the intron before coding-DNA position 1358, C replaced by T.
Molecular consequence: intron variant.
Genome position (GRCh38, 1-based): chr7:129,209,286, C>T. VCF-style: chr7-129209286-C-T. GRCh37 (hg19) VCF-style: chr7-128849127-C-T.
Identifiers: ClinVar variation 2672174 (VCV002672174.1), dbSNP rs768961568, ClinGen allele CA1107078050.
Genomic context (GRCh38, chr7:129,209,286, plus strand): 5'-CCTCCCCACTGCTGCTGCGGGACTGGGCTTGGTAACGTCCTGTCCTGCCCCTGTCCTCCA[C>T]AGGCATTTTTGGCTTCCTGGCCTTTGGCTTTGTGCTCATTACCTTCAGCTGCCACTTCTA-3'

ClinVar aggregate classification (germline): Uncertain significance (1 of 4 stars; one submission).

Conditions:
Congenital hypothalamic hamartoma syndrome. Also called: PALLISTER-HALL-LIKE SYNDROME. Identifiers: MedGen C5435677, MONDO:0009436, OMIM 241800.

Allele frequency attached by ClinVar (database versions not stated): gnomAD 0.00001.
gnomAD v4.1: 1 of 1,595,720 alleles (0.000063%); highest among the groups gnomAD compares: Non-Finnish European, 0.000086%; no homozygotes.

Submission:

Clinical Genomics Laboratory, Washington University in St. Louis
Classification: Uncertain significance for Congenital hypothalamic hamartoma syndrome. Last evaluated: 2023-10-27. Review status: criteria provided, single submitter. Criteria: ACMG Guidelines, 2015. Collection method: clinical testing. Allele origin: germline.
Comment: A SMO c.1358-3C>T variant was identified at a near heterozygous allelic fraction of 48%, a frequency which may be consistent with it being of germline origin. This variant, to our knowledge, has not been reported in the medical literature. This variant is only observed on 1/152,208 alleles in the general population (gnomAD v.3.1.2), indicating it is not a common variant. Computational predictors indicate that the variant has no impact on splicing, evidence that this variant may not have a damaging effect on SMO function. Due to limited information, and based on the ACMG/AMP guidelines for variant interpretation (Richards S et al., PMID: 25741868), the clinical significance of this variant is uncertain at this time.